The following is an entry in ClinVar:

ClinVar aggregate classification (germline): Pathogenic/Likely pathogenic. Review status: criteria provided, multiple submitters, no conflicts (2 of 4 stars). 3 submissions from 3 submitters: Pathogenic (2); Likely pathogenic (1). Last evaluated 2026-03-28.

Conditions:
Hereditary breast ovarian cancer syndrome. Also called: Hereditary breast and ovarian cancer; Breast and ovarian cancer; Hereditary breast and/or ovarian cancer syndrome; Hereditary breast and ovarian cancer syndrome; Hereditary breast and ovarian cancer syndrome (HBOC); BRCA1- and BRCA2-Associated Hereditary Breast and Ovarian Cancer. Identifiers: Orphanet 145, MedGen C0677776, MeSH D061325, MONDO:0003582. Disease mechanism: loss of function.
Familial cancer of breast. Also called: BREAST CANCER, FAMILIAL; Hereditary breast cancer; hereditary breast carcinoma. Identifiers: Orphanet 227535, MedGen C0346153, MONDO:0016419, OMIM 114480. Disease mechanism: loss of function.
Hereditary cancer-predisposing syndrome. Also called: Tumor predisposition; Neoplastic Syndromes, Hereditary; Hereditary Cancer Syndrome; Hereditary neoplastic syndrome. Identifiers: Orphanet 140162, MedGen C0027672, MeSH D009386, MONDO:0015356.

Submissions (3):

Ambry Genetics
Classification: Pathogenic for Hereditary cancer-predisposing syndrome. Last evaluated: 2026-03-28. Review status: criteria provided, single submitter. Criteria: Ambry Variant Classification Scheme 2023. Collection method: clinical testing. Allele origin: germline.
Comment: The c.722delA pathogenic mutation, located in coding exon 8 of the BRCA2 gene, results from a deletion of one nucleotide at nucleotide position 722, causing a translational frameshift with a predicted alternate stop codon (p.K241Rfs*10). This variant is considered to be rare based on population cohorts in the Genome Aggregation Database (gnomAD). This alteration is expected to result in loss of function by premature protein truncation or nonsense-mediated mRNA decay. As such, this alteration is interpreted as a disease-causing mutation.

Labcorp Genetics (formerly Invitae), Labcorp
Classification: Pathogenic for Hereditary breast ovarian cancer syndrome. Last evaluated: 2024-01-12. Review status: criteria provided, single submitter. Criteria: Invitae Variant Classification Sherloc (09022015). Collection method: clinical testing. Allele origin: germline.
Comment: This sequence change creates a premature translational stop signal (p.Lys241Argfs*10) in the BRCA2 gene. It is expected to result in an absent or disrupted protein product. Loss-of-function variants in BRCA2 are known to be pathogenic (PMID: 20104584). This variant is not present in population databases (gnomAD no frequency). This variant has not been reported in the literature in individuals affected with BRCA2-related conditions. ClinVar contains an entry for this variant (Variation ID: 1451953). For these reasons, this variant has been classified as Pathogenic.

Baylor Genetics
Classification: Likely pathogenic for Familial cancer of breast. Last evaluated: 2020-10-09. Review status: criteria provided, single submitter. Criteria: ACMG Guidelines, 2015. Collection method: clinical testing. Allele origin: unknown.

Literature cited by the submitters: PubMed 20104584 (cited by Labcorp Genetics (formerly Invitae), Labcorp).

NM_000059.4(BRCA2):c.722del (p.Lys241fs)

Gene: BRCA2 (BRCA2 DNA repair associated; plus strand). Cytogenetic location: 13q13.1.
Variant type: Deletion.
Coding change: c.722del on transcript NM_000059.4 (MANE Select); coding-DNA position 722, one base deleted (A; older notation c.722delA).
Protein change: p.Lys241fs; shifts the reading frame from lysine 241.
Molecular consequence: frameshift variant.
Genome position (GRCh38, 1-based): chr13:32,330,959, A deleted; the last of 2 consecutive A bases (chr13:32,330,958-32,330,959); deleting either gives the same sequence. VCF-style (leftmost placement, unchanged base first): chr13-32330957-GA-G. GRCh37 (hg19) VCF-style: chr13-32905094-GA-G.
Other names: c.722delA (NM_000059.3); short protein forms K241fs.
Identifiers: ClinVar variation 1451953 (VCV001451953.8), dbSNP rs2137461470, ClinGen allele CA2499222060.